The following is an entry in ClinVar:

ClinVar aggregate classification (germline): Uncertain significance (1 of 4 stars; one submission).

Conditions:
Fanconi anemia (FA). Also called: Fanconi's anemia. Identifiers: Orphanet 84, MedGen C0015625, MeSH D005199, MONDO:0019391.

Allele frequency attached by ClinVar (database versions not stated): gnomAD exomes below 0.00001.
gnomAD v4.1: 2 of 1,603,164 alleles (0.00012%); highest among the groups gnomAD compares: Non-Finnish European, 0.00017%; no homozygotes.

Submission:

Labcorp Genetics (formerly Invitae), Labcorp
Classification: Uncertain significance for Fanconi anemia. Last evaluated: 2023-01-17. Review status: criteria provided, single submitter. Criteria: Invitae Variant Classification Sherloc (09022015). Collection method: clinical testing. Allele origin: germline.
Comment: In summary, the available evidence is currently insufficient to determine the role of this variant in disease. Therefore, it has been classified as a Variant of Uncertain Significance. Algorithms developed to predict the effect of missense changes on protein structure and function are either unavailable or do not agree on the potential impact of this missense change (SIFT: "Tolerated"; PolyPhen-2: "Possibly Damaging"; Align-GVGD: "Class C0"). This variant has not been reported in the literature in individuals affected with FANCM-related conditions. This variant is not present in population databases (gnomAD no frequency). This sequence change replaces aspartic acid, which is acidic and polar, with glycine, which is neutral and non-polar, at codon 2031 of the FANCM protein (p.Asp2031Gly).

NM_020937.4(FANCM):c.6092A>G (p.Asp2031Gly)

Gene: FANCM (FA complementation group M; plus strand). Cytogenetic location: 14q21.2.
Variant type: single nucleotide variant.
Coding change: c.6092A>G on transcript NM_020937.4 (MANE Select); coding-DNA position 6092, A replaced by G.
Protein change: p.Asp2031Gly; replaces aspartic acid 2031 with glycine.
Molecular consequence: missense variant.
Genome position (GRCh38, 1-based): chr14:45,199,953, A>G. VCF-style: chr14-45199953-A-G. GRCh37 (hg19) VCF-style: chr14-45669156-A-G.
Other names: c.6014A>G, p.Asp2005Gly (NM_001308133.2); short protein forms D2005G, D2031G.
Identifiers: ClinVar variation 2908158 (VCV002908158.3), dbSNP rs2503284973, ClinGen allele CA389588361.